The following is an entry in ClinVar:

NM_001621.5(AHR):c.713A>G (p.Asn238Ser)

Gene: AHR (aryl hydrocarbon receptor; plus strand). Cytogenetic location: 7p21.1.
Variant type: single nucleotide variant.
Coding change: c.713A>G on transcript NM_001621.5 (MANE Select); coding-DNA position 713, A replaced by G.
Protein change: p.Asn238Ser; replaces asparagine 238 with serine.
Molecular consequence: missense variant.
Genome position (GRCh38, 1-based): chr7:17,333,919, A>G. VCF-style: chr7-17333919-A-G. GRCh37 (hg19) VCF-style: chr7-17373543-A-G.
Other names: c.713A>G (NM_001621.4); short protein forms N238S.
Identifiers: ClinVar variation 1525620 (VCV001525620.7), dbSNP rs770894231, ClinGen allele CA4171928.

ClinVar aggregate classification (germline): Uncertain significance. Review status: criteria provided, multiple submitters, no conflicts (2 of 4 stars). 2 submissions from 2 submitters: Uncertain significance (2). Last evaluated 2023-05-23.

gnomAD v4.1: 48 of 1,612,462 alleles (0.003%); highest among the groups gnomAD compares: South Asian, 0.051%; no homozygotes.

Submissions (2):

Ambry Genetics
Classification: Uncertain significance. Last evaluated: 2023-05-23. Review status: criteria provided, single submitter. Criteria: Ambry Variant Classification Scheme 2023. Collection method: clinical testing. Allele origin: germline.

Labcorp Genetics (formerly Invitae), Labcorp
Classification: Uncertain significance. Last evaluated: 2022-04-05. Review status: criteria provided, single submitter. Criteria: Invitae Variant Classification Sherloc (09022015). Collection method: clinical testing. Allele origin: germline.
Comment: In summary, the available evidence is currently insufficient to determine the role of this variant in disease. Therefore, it has been classified as a Variant of Uncertain Significance. Algorithms developed to predict the effect of missense changes on protein structure and function are either unavailable or do not agree on the potential impact of this missense change (SIFT: "Deleterious"; PolyPhen-2: "Benign"; Align-GVGD: "Class C15"). This variant has not been reported in the literature in individuals affected with AHR-related conditions. This variant is present in population databases (rs770894231, gnomAD 0.06%). This sequence change replaces asparagine, which is neutral and polar, with serine, which is neutral and polar, at codon 238 of the AHR protein (p.Asn238Ser).